The following is an entry in ClinVar:

NM_001098.3(ACO2):c.1849C>G (p.Leu617Val)

Genes: POLR3H (RNA polymerase III subunit H; minus strand), ACO2 (aconitase 2; plus strand). Cytogenetic location: 22q13.2.
Variant type: single nucleotide variant.
Coding change: c.1849C>G on transcript NM_001098.3 (MANE Select); coding-DNA position 1849, C replaced by G.
Protein change: p.Leu617Val; replaces leucine 617 with valine.
Molecular consequence: missense variant. On other transcripts: 3 prime UTR variant (5).
Genome position (GRCh38, 1-based): chr22:41,526,349, C>G. VCF-style: chr22-41526349-C-G. GRCh37 (hg19) VCF-style: chr22-41922353-C-G.
Other names: c.*2934G>C (NM_001018050.4, NM_001018052.4, NM_001282884.2 and 2 more transcripts); short protein forms L617V.
Identifiers: ClinVar variation 2575628 (VCV002575628.1), dbSNP rs2066595648, ClinGen allele CA411728387.

ClinVar aggregate classification (germline): Uncertain significance (1 of 4 stars; one submission).

Allele frequency attached by ClinVar (database versions not stated): gnomAD exomes below 0.00001.
gnomAD v4.1: 1 of 1,613,550 alleles (0.000062%); highest among the groups gnomAD compares: African/African-American, 0.0013%; no homozygotes.

Submission:

GeneDx
Classification: Uncertain significance. Last evaluated: 2023-02-13. Review status: criteria provided, single submitter. Criteria: GeneDx Variant Classification Process June 2021. Collection method: clinical testing. Allele origin: germline. Affected: yes.
Comment: Not observed at significant frequency in large population cohorts (gnomAD); In silico analysis supports that this missense variant does not alter protein structure/function; Has not been previously published as pathogenic or benign to our knowledge